The following is an entry in ClinVar:

NM_000334.4(SCN4A):c.4601C>A (p.Thr1534Lys)

Genes: GH-LCR (growth hormone locus control region; plus strand), SCN4A (sodium voltage-gated channel alpha subunit 4; minus strand). Cytogenetic location: 17q23.3.
Variant type: single nucleotide variant.
Coding change: c.4601C>A on transcript NM_000334.4 (MANE Select); coding-DNA position 4601, C replaced by A.
Protein change: p.Thr1534Lys; replaces threonine 1534 with lysine.
Molecular consequence: missense variant.
Genome position (GRCh38, 1-based): chr17:63,941,681, G>T on the plus strand (C>A on the coding strand, the complement: SCN4A is on the minus strand). VCF-style: chr17-63941681-G-T. GRCh37 (hg19) VCF-style: chr17-62019041-G-T.
Other names: short protein forms T1534K.
Identifiers: ClinVar variation 543810 (VCV000543810.1), dbSNP rs939785324, ClinGen allele CA400615658.

ClinVar aggregate classification (germline): Uncertain significance (1 of 4 stars; one submission).

Conditions:
Hyperkalemic periodic paralysis. Also called: Gamstorp disease; Familial hyperkalemic periodic paralysis. Identifiers: Orphanet 682, MedGen C0238357, MONDO:0008224, OMIM 170500, HP:0007215.

Submission:

Labcorp Genetics (formerly Invitae), Labcorp
Classification: Uncertain significance for Hyperkalemic periodic paralysis. Last evaluated: 2017-10-18. Review status: criteria provided, single submitter. Criteria: Invitae Variant Classification Sherloc (09022015). Collection method: clinical testing. Allele origin: germline.
Comment: This sequence change replaces threonine with lysine at codon 1534 of the SCN4A protein (p.Thr1534Lys). The threonine residue is highly conserved and there is a moderate physicochemical difference between threonine and lysine. This variant is not present in population databases (ExAC no frequency). This variant has not been reported in the literature in individuals with SCN4A-related disease. Algorithms developed to predict the effect of missense changes on protein structure and function (SIFT, PolyPhen-2, Align-GVGD) all suggest that this variant is likely to be disruptive, but these predictions have not been confirmed by published functional studies and their clinical significance is uncertain. In summary, the available evidence is currently insufficient to determine the role of this variant in disease. Therefore, it has been classified as a Variant of Uncertain Significance.